The following is an entry in ClinVar:

NM_000377.3(WAS):c.1272_1277delinsGCCTGG (p.Leu425_Ala426delinsProGly)

Gene: WAS (WASP actin nucleation promoting factor; plus strand). Cytogenetic location: Xp11.23.
Variant type: Indel.
Coding change: c.1272_1277delinsGCCTGG on transcript NM_000377.3 (MANE Select); coding-DNA positions 1272 to 1277, CCTGGC replaced by GCCTGG.
Protein change: p.Leu425_Ala426delinsProGly.
Molecular consequence: missense variant.
Genome position (GRCh38, 1-based): chrX:48,689,000-48,689,005, CCTGGC replaced by GCCTGG. VCF-style: chrX-48689000-CCTGGC-GCCTGG. GRCh37 (hg19) VCF-style: chrX-48547389-CCTGGC-GCCTGG.
Identifiers: ClinVar variation 972434 (VCV000972434.6), dbSNP rs2062430786, ClinGen allele CA1139667533.

ClinVar aggregate classification (germline): Uncertain significance (1 of 4 stars; one submission).

Conditions:
X-linked severe congenital neutropenia (SCNX). Identifiers: Orphanet 86788, MedGen C1845987, MONDO:0010294, OMIM 300299.
Thrombocytopenia 1. Also called: THROMBOCYTOPENIA, X-LINKED, 1; X-linked thrombocytopenia with normal platelets; X-Linked Thrombocytopenia (XLT). Identifiers: Orphanet 268322, Orphanet 852, MedGen C1839163, MONDO:0010743, OMIM 313900.
Wiskott-Aldrich syndrome (WAS). Also called: WISKOTT-ALDRICH SYNDROME 1; ALDRICH SYNDROME; IMMUNODEFICIENCY 2; Wiskott-aldrich syndrome, somatic. Identifiers: Orphanet 906, MedGen C0043194, MONDO:0010518, OMIM 301000.

Submission:

Labcorp Genetics (formerly Invitae), Labcorp
Classification: Uncertain significance for Wiskott-Aldrich syndrome; X-linked severe congenital neutropenia; Thrombocytopenia 1. Last evaluated: 2019-03-13. Review status: criteria provided, single submitter. Criteria: Invitae Variant Classification Sherloc (09022015). Collection method: clinical testing. Allele origin: germline.
Comment: Experimental studies and prediction algorithms are not available for this variant, and the functional significance of the affected amino acid(s) is currently unknown. This variant has not been reported in the literature in individuals with WAS-related conditions. This variant is not present in population databases (ExAC no frequency). This variant, c.1272_1277delinsGCCTGG, is a complex sequence change that results in the deletion of 2 and insertion of 2 amino acids in the WAS protein (p.Leu425_Ala426delinsProGly). In summary, the available evidence is currently insufficient to determine the role of this variant in disease. Therefore, it has been classified as a Variant of Uncertain Significance.